The following is an entry in ClinVar:

ClinVar aggregate classification (germline): Likely benign. Review status: criteria provided, multiple submitters, no conflicts (2 of 4 stars). 5 submissions from 5 submitters: Likely benign (3). 2 of the submissions do not count toward it. Last evaluated 2026-01-13.

Conditions:
Nephronophthisis. Also called: Juvenile Nephronophthisis. Identifiers: Orphanet 655, MedGen C0687120, MONDO:0019005, HP:0000090.
Meckel-Gruber syndrome. Also called: DYSENCEPHALIA SPLANCHNOCYSTICA; GRUBER SYNDROME; Dysencephalia splachnocystica. Identifiers: Orphanet 564, MedGen C0265215, MONDO:0018921.
Joubert syndrome. Also called: JOUBERT-BOLTSHAUSER SYNDROME; Familial aplasia of the vermis. Identifiers: Orphanet 475, MedGen C5979921, MONDO:0018772.
CEP290-related disorder. Also called: CEP290-related condition; CEP290-related disorders. Identifiers: MedGen CN239314.
Leber congenital amaurosis 10 (LCA10). Identifiers: Orphanet 65, MedGen C1857821, MONDO:0012723, OMIM 611755.
Meckel syndrome, type 4 (MKS4). Also called: MECKEL-GRUBER SYNDROME, TYPE 4. Identifiers: Orphanet 564, MedGen C1970161, MONDO:0012626, OMIM 611134.
Senior-Loken syndrome 6 (SLSN6). Identifiers: Orphanet 3156, MedGen C1857779, MONDO:0012433, OMIM 610189.
Joubert syndrome 5 (JBTS5). Identifiers: Orphanet 2318, MedGen C1857780, MONDO:0012432, OMIM 610188.
Bardet-Biedl syndrome 14 (BBS14). Identifiers: Orphanet 110, MedGen C2673874, MONDO:0014442, OMIM 615991.
Leber congenital amaurosis (LCA). Also called: Leber's amaurosis. Identifiers: Orphanet 65, MedGen C0339527, MeSH D057130, MONDO:0018998.

Allele frequency attached by ClinVar (database versions not stated): gnomAD exomes 0.00002; ExAC 0.00006; 1000 Genomes Project 0.00020; gnomAD 0.00020 and 0.00024; ESP Exome Variant Server 0.00022; TOPMed 0.00025; 1000 Genomes Project 30x 0.00031.
gnomAD v4.1: 58 of 1,243,240 alleles (0.0047%); highest among the groups gnomAD compares: African/African-American, 0.079%; no homozygotes.

Submissions (5):

Labcorp Genetics (formerly Invitae), Labcorp
Classification: Likely benign for Joubert syndrome; Meckel-Gruber syndrome; Nephronophthisis. Last evaluated: 2026-01-13. Review status: criteria provided, single submitter. Criteria: Invitae Variant Classification Sherloc (09022015). Collection method: clinical testing. Allele origin: germline.

Blueprint Genetics
Classification: Likely benign. Last evaluated: 2024-10-16. Review status: criteria provided, single submitter. Criteria: ACMG Guidelines, 2015. Collection method: clinical testing. Allele origin: germline.

Fulgent Genetics
Classification: Likely benign for Joubert syndrome 5; Senior-Loken syndrome 6; Meckel syndrome, type 4; Leber congenital amaurosis 10; Bardet-Biedl syndrome 14. Last evaluated: 2022-03-12. Review status: criteria provided, single submitter. Criteria: ACMG Guidelines, 2015. Collection method: clinical testing. Allele origin: unknown.

PreventionGenetics, part of Exact Sciences
Classification: Likely benign for CEP290-related condition. Last evaluated: 2023-02-28. Review status: no assertion criteria provided. Collection method: clinical testing. Allele origin: germline. Not counted in ClinVar's aggregate classification.
Comment: This variant is classified as likely benign based on ACMG/AMP sequence variant interpretation guidelines (Richards et al. 2015 PMID: 25741868, with internal and published modifications).

Natera, Inc.
Classification: Likely benign for Leber congenital amaurosis. Last evaluated: 2020-01-08. Review status: no assertion criteria provided. Collection method: clinical testing. Allele origin: germline. Not counted in ClinVar's aggregate classification.

NM_025114.4(CEP290):c.4182G>A (p.Val1394=)

Gene: CEP290 (centrosomal protein 290; minus strand). Cytogenetic location: 12q21.32.
Variant type: single nucleotide variant.
Coding change: c.4182G>A on transcript NM_025114.4 (MANE Select); coding-DNA position 4182, G replaced by A.
Protein change: p.Val1394=; no amino-acid change (valine 1394 retained).
Molecular consequence: synonymous variant.
Genome position (GRCh38, 1-based): chr12:88,087,792, C>T on the plus strand (G>A on the coding strand, the complement: CEP290 is on the minus strand). VCF-style: chr12-88087792-C-T. GRCh37 (hg19) VCF-style: chr12-88481569-C-T.
Identifiers: ClinVar variation 699661 (VCV000699661.16), dbSNP rs371530941, ClinGen allele CA6712020.